The following is an entry in ClinVar:

ClinVar aggregate classification (germline): Likely pathogenic (1 of 4 stars; one submission).

Conditions:
Neurodevelopmental disorder with dysmorphic facies and distal limb anomalies. Identifiers: Orphanet 686482, MedGen C4540327, MONDO:0060596, OMIM 617755.

Submission:

Clinical Genetics Laboratory, Region Ostergotland
Classification: Likely pathogenic for Neurodevelopmental disorder with dysmorphic facies and distal limb anomalies. Last evaluated: 2026-03-09. Review status: criteria provided, single submitter. Criteria: ACMG Guidelines, 2015. Collection method: clinical testing. Allele origin: germline. Affected: yes.
Comment: The variant is not found in population database (gnomAD v4.1.1). Loss-of-function variants in the BPTF gene is a known mechanism of disease (PMID:28942966, PMID:33522091). The following ACMG/AMP criteria were applied in classifying this variant as Likely Pathogenic: PM2, PVS1

Literature cited by the submitters: PubMed 28942966; PubMed 33522091.

NM_182641.4(BPTF):c.7030C>T (p.Gln2344Ter)

Gene: BPTF (bromodomain PHD finger transcription factor; plus strand). Cytogenetic location: 17q24.2.
Variant type: single nucleotide variant.
Coding change: c.7030C>T on transcript NM_182641.4 (MANE Select); coding-DNA position 7030, C replaced by T.
Protein change: p.Gln2344Ter; replaces glutamine 2344 with a stop codon.
Molecular consequence: nonsense.
Genome position (GRCh38, 1-based): chr17:67,945,738, C>T. VCF-style: chr17-67945738-C-T. GRCh37 (hg19) VCF-style: chr17-65941854-C-T.
Other names: c.7219C>T, p.Gln2407Ter (NM_001439139.1, NM_001439143.1, NM_001439144.1); c.7408C>T, p.Gln2470Ter (NM_001439140.1, NM_001439142.1, NM_004459.7); c.7381C>T, p.Gln2461Ter (NM_001439141.1); short protein forms Q2344*, Q2407*, Q2461*, Q2470*.
Identifiers: ClinVar variation 4871884 (VCV004871884.1).
Genomic context (GRCh38, chr17:67,945,738, plus strand): 5'-CAAGTTGCAGCACAGTCTCAGCCTCAAAGTAATGTCCAAGGACAGTCTCCTGTTCGTGTC[C>T]AAAGTCCATCACAGACTCGAATACGTCCATCAACTCCATCCCAACTGTCTCCTGGACAAC-3'